The following is an entry in ClinVar:

ClinVar aggregate classification (germline): Pathogenic (1 of 4 stars; one submission).

Submission:

Labcorp Genetics (formerly Invitae), Labcorp
Classification: Pathogenic. Last evaluated: 2025-12-08. Review status: criteria provided, single submitter. Criteria: Invitae Variant Classification Sherloc (09022015). Collection method: clinical testing. Allele origin: germline.
Comment: This sequence change creates a premature translational stop signal (p.Ala45Serfs*4) in the CRIPT gene. It is expected to result in an absent or disrupted protein product. Loss-of-function variants in CRIPT are known to be pathogenic (PMID: 24389050, 27250922). The frequency data for this variant in the population databases is considered unreliable, as metrics indicate poor data quality at this position in the gnomAD database. This variant has not been reported in the literature in individuals affected with CRIPT-related conditions. ClinVar contains an entry for this variant (Variation ID: 1971820). For these reasons, this variant has been classified as Pathogenic.

Literature cited by the submitters: PubMed 24389050; PubMed 27250922.

NM_014171.6(CRIPT):c.132dup (p.Ala45fs)

Gene: CRIPT (CXXC repeat containing interactor of PDZ3 domain; plus strand). Cytogenetic location: 2p21.
Variant type: Duplication.
Coding change: c.132dup on transcript NM_014171.6 (MANE Select); coding-DNA position 132, one base duplicated (A; older notation c.132dupA).
Protein change: p.Ala45fs; shifts the reading frame from alanine 45.
Molecular consequence: frameshift variant.
Genome position (GRCh38, 1-based): chr2:46,619,676, A duplicated; the last of 7 consecutive A bases (chr2:46,619,670-46,619,676); duplicating any one gives the same sequence. VCF-style (leftmost placement, unchanged base first): chr2-46619669-C-CA. GRCh37 (hg19) VCF-style: chr2-46846808-C-CA.
Other names: short protein forms A45fs.
Identifiers: ClinVar variation 1971820 (VCV001971820.5), dbSNP rs771238795, ClinGen allele CA1646303.